The following is an entry in ClinVar:

ClinVar aggregate classification (germline): Uncertain significance (1 of 4 stars; one submission).

Submission:

GeneDx
Classification: Uncertain significance. Last evaluated: 2025-05-12. Review status: criteria provided, single submitter. Criteria: GeneDx Variant Classification Process June 2021. Collection method: clinical testing. Allele origin: germline.
Comment: Not observed at significant frequency in large population cohorts (gnomAD); Nonsense variant predicted to result in protein truncation as the last 26 amino acids are lost; Has not been previously published as pathogenic or benign to our knowledge

NM_014112.5(TRPS1):c.3807T>A (p.Tyr1269Ter)

Gene: TRPS1 (transcriptional repressor GATA binding 1; minus strand). Cytogenetic location: 8q23.3.
Variant type: single nucleotide variant.
Coding change: c.3807T>A on transcript NM_014112.5 (MANE Select); coding-DNA position 3807, T replaced by A.
Protein change: p.Tyr1269Ter; replaces tyrosine 1269 with a stop codon.
Molecular consequence: nonsense.
Genome position (GRCh38, 1-based): chr8:115,414,101, A>T on the plus strand (T>A on the coding strand, the complement: TRPS1 is on the minus strand). VCF-style: chr8-115414101-A-T. GRCh37 (hg19) VCF-style: chr8-116426329-A-T.
Other names: c.3780T>A, p.Tyr1260Ter (NM_001282902.3); c.3786T>A, p.Tyr1262Ter (NM_001282903.3); c.3768T>A, p.Tyr1256Ter (NM_001330599.2); short protein forms Y1256*, Y1260*, Y1262*, Y1269*.
Identifiers: ClinVar variation 3776422 (VCV003776422.2).